The following is an entry in ClinVar:

ClinVar aggregate classification (germline): Benign/Likely benign. Review status: criteria provided, multiple submitters, no conflicts (2 of 4 stars). 3 submissions from 3 submitters: Benign (1); Likely benign (1). 1 of the submissions does not count toward it. Last evaluated 2026-02-01.

Conditions:
TMC8-related disorder. Also called: TMC8-related condition.
Epidermodysplasia verruciformis. Identifiers: Orphanet 302, MedGen C0014522, MONDO:0009176.

Allele frequency attached by ClinVar (database versions not stated): gnomAD 0.00562 and 0.00599; ESP Exome Variant Server 0.00577; 1000 Genomes Project 0.00619; TOPMed 0.00646; 1000 Genomes Project 30x 0.00703; gnomAD exomes 0.00059 and 0.00159; ExAC 0.00186.
gnomAD v4.1: 1,745 of 1,613,046 alleles (0.11%); highest among the groups gnomAD compares: African/African-American, 2%; 16 homozygotes.

Submissions (3):

Labcorp Genetics (formerly Invitae), Labcorp
Classification: Benign for Epidermodysplasia verruciformis. Last evaluated: 2026-02-01. Review status: criteria provided, single submitter. Criteria: Invitae Variant Classification Sherloc (09022015). Collection method: clinical testing. Allele origin: germline.

Blueprint Genetics
Classification: Likely benign. Last evaluated: 2024-11-12. Review status: criteria provided, single submitter. Criteria: ACMG Guidelines, 2015. Collection method: clinical testing. Allele origin: germline.

PreventionGenetics, part of Exact Sciences
Classification: Benign for TMC8-related condition. Last evaluated: 2024-02-01. Review status: no assertion criteria provided. Collection method: clinical testing. Allele origin: germline. Not counted in ClinVar's aggregate classification.
Comment: This variant is classified as benign based on ACMG/AMP sequence variant interpretation guidelines (Richards et al. 2015 PMID: 25741868, with internal and published modifications).

NM_152468.5(TMC8):c.1629T>C (p.Leu543=)

Gene: TMC8 (transmembrane channel like 8; plus strand). Cytogenetic location: 17q25.3.
Variant type: single nucleotide variant.
Coding change: c.1629T>C on transcript NM_152468.5 (MANE Select); coding-DNA position 1629, T replaced by C.
Protein change: p.Leu543=; no amino-acid change (leucine 543 retained).
Molecular consequence: synonymous variant.
Genome position (GRCh38, 1-based): chr17:78,138,444, T>C. VCF-style: chr17-78138444-T-C. GRCh37 (hg19) VCF-style: chr17-76134525-T-C.
Identifiers: ClinVar variation 526259 (VCV000526259.15), dbSNP rs145995933, ClinGen allele CA8796937.